The following is an entry in ClinVar:

NM_000143.4(FH):c.1204C>T (p.His402Tyr)

Gene: FH (fumarate hydratase; minus strand). Cytogenetic location: 1q43.
Variant type: single nucleotide variant.
Coding change: c.1204C>T on transcript NM_000143.4 (MANE Select); coding-DNA position 1204, C replaced by T.
Protein change: p.His402Tyr; replaces histidine 402 with tyrosine.
Molecular consequence: missense variant.
Genome position (GRCh38, 1-based): chr1:241,502,475, G>A on the plus strand (C>T on the coding strand, the complement: FH is on the minus strand). VCF-style: chr1-241502475-G-A. GRCh37 (hg19) VCF-style: chr1-241665775-G-A.
Other names: short protein forms H402Y.
Identifiers: ClinVar variation 575864 (VCV000575864.22), dbSNP rs760360724, ClinGen allele CA1478530.
Genomic context (GRCh38, chr1:241,502,475, plus strand): 5'-AACATTAAAAATCAGATTTAAAGCTTACCATCATTGGCTTGAAAACATTCAACTCAAAAT[G>A]TCCATTGCTGCCTCCGACAGTGACAGCAACATGGTTCCCCATGACTTGGGCTGCAACCAT-3'
Protein context (NP_000134.2, residues 392-412): VAVTVGGSNG[His402Tyr]FELNVFKPMM

ClinVar aggregate classification (germline): Conflicting classifications of pathogenicity. Review status: criteria provided, conflicting classifications (1 of 4 stars). 6 submissions from 6 submitters: Pathogenic (1); Likely pathogenic (3); Uncertain significance (2). Last evaluated 2025-12-10.

Conditions:
Fumarase deficiency (FMRD). Also called: Fumarate Hydratase Deficiency; Fumaric aciduria. Identifiers: Orphanet 24, MedGen C0342770, MONDO:0011730, OMIM 606812.
FH-related disorder. Also called: FH-related condition; FH-related disorders.
Hereditary cancer-predisposing syndrome. Also called: Hereditary neoplastic syndrome; Neoplastic Syndromes, Hereditary; Hereditary Cancer Syndrome; Tumor predisposition. Identifiers: Orphanet 140162, MedGen C0027672, MeSH D009386, MONDO:0015356.

Allele frequency attached by ClinVar (database versions not stated): gnomAD exomes 0.00001; ExAC 0.00002.
gnomAD v4.1: 7 of 1,614,078 alleles (0.00043%); highest among the groups gnomAD compares: Non-Finnish European, 0.00059%; no homozygotes.

Submissions (7):

GeneDx
Classification: Likely pathogenic. Last evaluated: 2025-12-10. Review status: criteria provided, single submitter. Criteria: GeneDx Variant Classification Process June 2021. Collection method: clinical testing. Allele origin: germline.
Comment: In silico analysis supports that this missense variant has a deleterious effect on protein structure/function; Observed in individuals undergoing genetic testing due to a history of solid tumors; however, it is unclear if the individuals harboring this variant had any features of HLRCC (PMID: 35971132); Not observed at significant frequency in large population cohorts (gnomAD); This variant is associated with the following publications: (PMID: 29086383, 37561409, 33052056, 29052812, 16876016, 20549362, DeMeirleir2006[abstract], 35971132)

Ambry Genetics
Classification: Pathogenic for Hereditary cancer-predisposing syndrome. Last evaluated: 2025-07-16. Review status: criteria provided, single submitter. Criteria: Ambry Variant Classification Scheme 2023. Collection method: clinical testing. Allele origin: germline.
Comment: The c.1204C>T (p.H402Y) alteration is located in exon 8 (coding exon 8) of the FH gene. This alteration results from a C to T substitution at nucleotide position 1204, causing the histidine (H) at amino acid position 402 to be replaced by a tyrosine (Y). for autosomal recessive fumarate hydratase deficiency; however, it is unlikely to be causative of autosomal dominant hereditary leiomyomatosis and renal cell cancer. Based on data from gnomAD, the T allele has an overall frequency of 0.001% (3/251354) total alleles studied. The highest observed frequency was 0.003% (3/113684) of European (non-Finnish) alleles. This alteration, designated as 1078C>T, has been identified in conjunction with other FH mutations in patients with fumarate hydratase deficiency (Allegri, 2010; Ryder, 2018). However, this variant has been detected in multiple individuals with no reported features of hereditary leiomyomatosis and renal cell cancer (HLRCC) (Ambry internal data). This amino acid position is highly conserved in available vertebrate species. This alteration is predicted to be deleterious by in silico analysis. Based on the available evidence, this alteration is classified as pathogenic.

Natera, Inc.
Classification: Likely pathogenic for Fumarase Deficiency. Last evaluated: 2025-06-09. Review status: criteria provided, single submitter. Criteria: Natera Variant Classification Schema (03/2026). Collection method: clinical testing. Allele origin: germline.
Comment: The c.1204C>T variant in FH is a missense variant predicted to cause substitution of histidine to tyrosine at amino acid 402. This variant is rare in the general population with a frequency below the threshold expected for the associated phenotype(s). This variant has been observed in one or more individuals affected with the associated recessive disease, as either homozygous or compound heterozygous with a second variant (PMID: 29052812, 16876016, 16874556). This variant has been identified in one or more affected individuals with a phenotype highly consistent with the associated gene (PMID:29052812, 16876016, 16874556). Computational prediction algorithms indicate this variant is likely to affect gene or protein function. Given the available evidence, this variant is classified as Likely Pathogenic.

Labcorp Genetics (formerly Invitae), Labcorp
Classification: Uncertain significance. Last evaluated: 2025-01-14. Review status: criteria provided, single submitter. Criteria: Invitae Variant Classification Sherloc (09022015). Collection method: clinical testing. Allele origin: germline.
Comment: This sequence change replaces histidine, which is basic and polar, with tyrosine, which is neutral and polar, at codon 402 of the FH protein (p.His402Tyr). This variant is present in population databases (rs760360724, gnomAD 0.003%). This missense change has been observed in individual(s) with fumarate hydratase deficiency. (PMID: 16876016, 20549362, 21520333). ClinVar contains an entry for this variant (Variation ID: 575864). Invitae Evidence Modeling of protein sequence and biophysical properties (such as structural, functional, and spatial information, amino acid conservation, physicochemical variation, residue mobility, and thermodynamic stability) indicates that this missense variant is expected to disrupt FH protein function with a positive predictive value of 95%. In summary, the available evidence is currently insufficient to determine the role of this variant in disease. Therefore, it has been classified as a Variant of Uncertain Significance.

Blueprint Genetics
Classification: Likely pathogenic for FH-related disorders. Last evaluated: 2023-12-27. Review status: criteria provided, single submitter. Criteria: ACMG Guidelines, 2015. Collection method: clinical testing. Allele origin: germline. Affected: yes. Observed: 1 variant allele.

Baylor Genetics
Classification: Uncertain significance for Fumarase deficiency. Last evaluated: 2023-10-25. Review status: criteria provided, single submitter. Criteria: ACMG Guidelines, 2015. Collection method: clinical testing. Allele origin: unknown.

Blake Wilde Laboratory, Roswell Park Comprehensive Cancer Center
No classification provided (evidence only). Condition: Hereditary leiomyomatosis and renal cell cancer. Review status: no classification provided. Collection method: in vitro. Allele origin: not applicable. Functional consequence: decreased enzyme activity. Not counted in ClinVar's aggregate classification.

Literature cited by the submitters: PubMed 16876016 (cited by 3 submitters); PubMed 20549362 (cited by Ambry Genetics and Labcorp Genetics (formerly Invitae), Labcorp); PubMed 29052812 (cited by Ambry Genetics and Natera, Inc.); PubMed 16874556 (cited by Natera, Inc.); PubMed 21520333 (cited by Labcorp Genetics (formerly Invitae), Labcorp).